The following is an entry in ClinVar:

NM_001018113.3(FANCB):c.-229T>G

Gene: FANCB (FA complementation group B; minus strand). Cytogenetic location: Xp22.2.
Variant type: single nucleotide variant.
Coding change: c.-229T>G on transcript NM_001018113.3 (MANE Select); 229 bases upstream of the start codon, T replaced by G.
Molecular consequence: 5 prime UTR variant. On other transcripts: non-coding transcript variant (1).
Genome position (GRCh38, 1-based): chrX:14,873,023, A>C on the plus strand (T>G on the coding strand, the complement: FANCB is on the minus strand). VCF-style: chrX-14873023-A-C. GRCh37 (hg19) VCF-style: chrX-14891145-A-C.
Other names: c.-208T>G (NM_001324162.2); c.-108T>G (NM_152633.4).
Identifiers: ClinVar variation 368037 (VCV000368037.5), dbSNP rs149617434, ClinGen allele CA10646022.
Genomic context (GRCh38, chrX:14,873,023, plus strand): 5'-AAGACTCGCCAGCCCCATCCTACCTCAACGCAGCGGCAACATACCGGAGGCCCCACGTCG[A>C]TACGGTATCCATCTGCTCCAAACCTCCCGCCAGCGCGCTGCATCCTGGGAGGCCGGGCGG-3'

ClinVar aggregate classification (germline): Benign. Review status: criteria provided, single submitter (1 of 4 stars). 2 submissions from 1 submitter: Benign (2). Last evaluated 2018-01-13.

Conditions:
Fanconi anemia complementation group B (FANCB). Also called: FANCB-Related Fanconi Anemia; FANCONI PANCYTOPENIA, TYPE 2. Identifiers: Orphanet 84, MedGen C1845292, MONDO:0010351, OMIM 300514.
VACTERL association, X-linked, with or without hydrocephalus (VACTERLX). Also called: VACTERL-H, X-LINKED; VACTERL Association with Hydrocephalus, X-linked; X-linked VACTERL-H syndrome; VACTERL ASSOCIATION, X-LINKED. Identifiers: Orphanet 3412, MedGen C2931228, MONDO:0010752, OMIM 314390.

Allele frequency attached by ClinVar (database versions not stated): gnomAD exomes 0.00062; gnomAD 0.00790 and 0.00830; TOPMed 0.00923; 1000 Genomes Project 0.01298; 1000 Genomes Project 30x 0.01332.
gnomAD v4.1: 897 of 130,479 alleles (0.69%); highest among the groups gnomAD compares: African/African-American, 2.6%; 13 homozygotes.

Submissions (2):

Illumina Laboratory Services, Illumina
Classification: Benign for VACTERL association with hydrocephaly, X-linked. Last evaluated: 2018-01-13. Review status: criteria provided, single submitter. Criteria: ICSL Variant Classification Criteria 13 December 2019. Collection method: clinical testing. Allele origin: germline.
Comment: This variant was observed in the ICSL laboratory as part of a predisposition screen in an ostensibly healthy population. It had not been previously curated by ICSL or reported in the Human Gene Mutation Database (HGMD: prior to June 1st, 2018), and was therefore a candidate for classification through an automated scoring system. Utilizing variant allele frequency, disease prevalence and penetrance estimates, and inheritance mode, an automated score was calculated to assess if this variant is too frequent to cause the disease. Based on the score and internal cut-off values, a variant classified as benign is not then subjected to further curation. The score for this variant resulted in a classification of benign for this disease.

Illumina Laboratory Services, Illumina
Classification: Benign for Fanconi anemia complementation group B. Last evaluated: 2018-01-13. Review status: criteria provided, single submitter. Criteria: ICSL Variant Classification Criteria 13 December 2019. Collection method: clinical testing. Allele origin: germline.
Comment: the same text as in the submission from Illumina Laboratory Services, Illumina above.